The following is an entry in ClinVar:

ClinVar aggregate classification (germline): Uncertain significance (1 of 4 stars; one submission).

Conditions:
Catecholaminergic polymorphic ventricular tachycardia 1. Also called: VENTRICULAR TACHYCARDIA, CATECHOLAMINERGIC POLYMORPHIC, 1, WITH OR WITHOUT ATRIAL DYSFUNCTION AND/OR DILATED CARDIOMYOPATHY; RYR2-Related Catecholaminergic Polymorphic Ventricular Tachycardia; VENTRICULAR TACHYCARDIA, STRESS-INDUCED POLYMORPHIC 1. Identifiers: Orphanet 3286, MedGen C1631597, MONDO:0011484, OMIM 604772.

Submission:

Labcorp Genetics (formerly Invitae), Labcorp
Classification: Uncertain significance for Catecholaminergic polymorphic ventricular tachycardia 1. Last evaluated: 2020-01-24. Review status: criteria provided, single submitter. Criteria: Invitae Variant Classification Sherloc (09022015). Collection method: clinical testing. Allele origin: germline.
Comment: This variant is not present in population databases (ExAC no frequency). This variant has been reported in individuals with exercise-induced arrhythmia (PMID: 15466642, Invitae). ClinVar contains an entry for this variant (Variation ID: 532374). Algorithms developed to predict the effect of missense changes on protein structure and function (SIFT, PolyPhen-2, Align-GVGD) all suggest that this variant is likely to be disruptive, but these predictions have not been confirmed by published functional studies and their clinical significance is uncertain. In summary, the available evidence is currently insufficient to determine the role of this variant in disease. Therefore, it has been classified as a Variant of Uncertain Significance. This sequence change replaces alanine with threonine at codon 2403 of the RYR2 protein (p.Ala2403Thr). The alanine residue is highly conserved and there is a small physicochemical difference between alanine and threonine.

Literature cited by the submitters: PubMed 15466642.

NM_001035.3(RYR2):c.7207G>A (p.Ala2403Thr)

Gene: RYR2 (ryanodine receptor 2; plus strand). Cytogenetic location: 1q43.
Variant type: single nucleotide variant.
Coding change: c.7207G>A on transcript NM_001035.3 (MANE Select); coding-DNA position 7207, G replaced by A.
Protein change: p.Ala2403Thr; replaces alanine 2403 with threonine.
Molecular consequence: missense variant.
Genome position (GRCh38, 1-based): chr1:237,640,988, G>A. VCF-style: chr1-237640988-G-A. GRCh37 (hg19) VCF-style: chr1-237804288-G-A.
Other names: c.7207G>A, p.Ala2403Thr (LRG_402t1); short protein forms A2403T.
Identifiers: ClinVar variation 532374 (VCV000532374.11), dbSNP rs1456929288, ClinGen allele CA345396802.